The following is an entry in ClinVar:

NM_022114.4(PRDM16):c.2302A>G (p.Ser768Gly)

Gene: PRDM16 (PR/SET domain 16; plus strand). Cytogenetic location: 1p36.32.
Variant type: single nucleotide variant.
Coding change: c.2302A>G on transcript NM_022114.4 (MANE Select); coding-DNA position 2302, A replaced by G.
Protein change: p.Ser768Gly; replaces serine 768 with glycine.
Molecular consequence: missense variant.
Genome position (GRCh38, 1-based): chr1:3,412,499, A>G. VCF-style: chr1-3412499-A-G. GRCh37 (hg19) VCF-style: chr1-3329063-A-G.
Other names: c.2302A>G, p.Ser768Gly (NM_199454.3); short protein forms S768G.
Identifiers: ClinVar variation 1484600 (VCV001484600.8), dbSNP rs772054022, ClinGen allele CA338000088.
Genomic context (GRCh38, chr1:3,412,499, plus strand): 5'-AACTTGCTGGTCAAGGCCGAGCCAAAGTCACCCCGGGACGCCCTCAAGGTGGGCGGCCCC[A>G]GTGCCGAGTGCCCCTTTGATCTCACCACCAAGCCCAAAGACGTGAAGCCCATCCTGCCCA-3'
Protein context (NP_071397.3, residues 758-778): PRDALKVGGP[Ser768Gly]AECPFDLTTK

ClinVar aggregate classification (germline): Uncertain significance (1 of 4 stars; one submission).

Conditions:
Left ventricular noncompaction 8 (LVNC8). Identifiers: Orphanet 154, Orphanet 54260, MedGen C3809288, MONDO:0014152, OMIM 615373.

Allele frequency attached by ClinVar (database versions not stated): gnomAD exomes below 0.00001.
gnomAD v4.1: 3 of 1,613,282 alleles (0.00019%); highest among the groups gnomAD compares: Non-Finnish European, 0.00025%; no homozygotes.

Submission:

Labcorp Genetics (formerly Invitae), Labcorp
Classification: Uncertain significance for Left ventricular noncompaction 8. Last evaluated: 2021-05-30. Review status: criteria provided, single submitter. Criteria: Invitae Variant Classification Sherloc (09022015). Collection method: clinical testing. Allele origin: germline.
Comment: In summary, the available evidence is currently insufficient to determine the role of this variant in disease. Therefore, it has been classified as a Variant of Uncertain Significance. This sequence change replaces serine with glycine at codon 768 of the PRDM16 protein (p.Ser768Gly). The serine residue is highly conserved and there is a small physicochemical difference between serine and glycine. This variant is not present in population databases (ExAC no frequency). This variant has not been reported in the literature in individuals with PRDM16-related conditions. Algorithms developed to predict the effect of missense changes on protein structure and function output the following: SIFT: "Deleterious"; PolyPhen-2: "Benign"; Align-GVGD: "Class C55". The glycine amino acid residue is found in multiple mammalian species, suggesting that this missense change does not adversely affect protein function. These predictions have not been confirmed by published functional studies and their clinical significance is uncertain.